The following is an entry in ClinVar:

ClinVar aggregate classification (germline): Uncertain significance. Review status: criteria provided, multiple submitters, no conflicts (2 of 4 stars). 2 submissions from 2 submitters: Uncertain significance (2). Last evaluated 2024-06-07.

Conditions:
Emery-Dreifuss muscular dystrophy 5, autosomal dominant (EDMD5). Also called: EMERY-DREIFUSS MUSCULAR DYSTROPHY 5. Identifiers: Orphanet 261, MedGen C2751805, MONDO:0013072, OMIM 612999.

Allele frequency attached by ClinVar (database versions not stated): ExAC 0.00002; gnomAD 0.00002 and 0.00003; gnomAD exomes 0.00004 and 0.00009; TOPMed 0.00006.
gnomAD v4.1: 125 of 1,614,000 alleles (0.0077%); highest among the groups gnomAD compares: Non-Finnish European, 0.01%; no homozygotes.

Submissions (2):

Ambry Genetics
Classification: Uncertain significance. Last evaluated: 2024-06-07. Review status: criteria provided, single submitter. Criteria: Ambry Variant Classification Scheme 2023. Collection method: clinical testing. Allele origin: germline.

Labcorp Genetics (formerly Invitae), Labcorp
Classification: Uncertain significance for Emery-Dreifuss muscular dystrophy 5, autosomal dominant. Last evaluated: 2023-04-26. Review status: criteria provided, single submitter. Criteria: Invitae Variant Classification Sherloc (09022015). Collection method: clinical testing. Allele origin: germline.
Comment: ClinVar contains an entry for this variant (Variation ID: 1051980). This variant has not been reported in the literature in individuals affected with SYNE2-related conditions. This variant is present in population databases (rs749834245, gnomAD 0.006%). This sequence change replaces threonine, which is neutral and polar, with lysine, which is basic and polar, at codon 1306 of the SYNE2 protein (p.Thr1306Lys). An algorithm developed to predict the effect of missense changes on protein structure and function (PolyPhen-2) suggests that this variant is likely to be tolerated. In summary, the available evidence is currently insufficient to determine the role of this variant in disease. Therefore, it has been classified as a Variant of Uncertain Significance.

NM_182914.3(SYNE2):c.3917C>A (p.Thr1306Lys)

Gene: SYNE2 (spectrin repeat containing nuclear envelope protein 2; plus strand). Cytogenetic location: 14q23.2.
Variant type: single nucleotide variant.
Coding change: c.3917C>A on transcript NM_182914.3 (MANE Select); coding-DNA position 3917, C replaced by A.
Protein change: p.Thr1306Lys; replaces threonine 1306 with lysine.
Molecular consequence: missense variant.
Genome position (GRCh38, 1-based): chr14:64,002,850, C>A. VCF-style: chr14-64002850-C-A. GRCh37 (hg19) VCF-style: chr14-64469568-C-A.
Other names: c.3917C>A, p.Thr1306Lys (NM_015180.6); c.3917C>A (NM_182914.2); short protein forms T1306K.
Identifiers: ClinVar variation 1051980 (VCV001051980.10), dbSNP rs749834245, ClinGen allele CA7220102.